The following is an entry in ClinVar:

ClinVar aggregate classification (germline): Uncertain significance (1 of 4 stars; one submission).

Conditions:
Hereditary spastic paraplegia 3A (SPG3A). Also called: SPASTIC PARAPLEGIA 3, AUTOSOMAL DOMINANT; FAMILIAL SPASTIC PARAPLEGIA, AUTOSOMAL DOMINANT, 1; SPG3; STRUMPELL DISEASE; Spastic Paraplegia 3A; Spastic paraplegia 3A, autosomal dominant. Identifiers: Orphanet 100984, MedGen C2931355, MONDO:0008437, OMIM 182600.

Submission:

Labcorp Genetics (formerly Invitae), Labcorp
Classification: Uncertain significance for Hereditary spastic paraplegia 3A. Last evaluated: 2024-11-16. Review status: criteria provided, single submitter. Criteria: Invitae Variant Classification Sherloc (09022015). Collection method: clinical testing. Allele origin: germline.
Comment: This sequence change affects codon 94 of the ATL1 mRNA. It is a 'silent' change, meaning that it does not change the encoded amino acid sequence of the ATL1 protein. This variant also falls at the last nucleotide of exon 2, which is part of the consensus splice site for this exon. This variant is not present in population databases (gnomAD no frequency). This variant has not been reported in the literature in individuals affected with ATL1-related conditions. Variants that disrupt the consensus splice site are a relatively common cause of aberrant splicing (PMID: 17576681, 9536098). Algorithms developed to predict the effect of sequence changes on RNA splicing suggest that this variant may disrupt the consensus splice site. In summary, the available evidence is currently insufficient to determine the role of this variant in disease. Therefore, it has been classified as a Variant of Uncertain Significance.

Literature cited by the submitters: PubMed 17576681; PubMed 9536098.

NM_015915.5(ATL1):c.282G>A (p.Gln94=)

Gene: ATL1 (atlastin GTPase 1; plus strand). Cytogenetic location: 14q22.1.
Variant type: single nucleotide variant.
Coding change: c.282G>A on transcript NM_015915.5 (MANE Select); coding-DNA position 282, G replaced by A.
Protein change: p.Gln94=; no amino-acid change (glutamine 94 retained).
Molecular consequence: synonymous variant.
Genome position (GRCh38, 1-based): chr14:50,588,078, G>A. VCF-style: chr14-50588078-G-A. GRCh37 (hg19) VCF-style: chr14-51054796-G-A.
Other names: c.282G>A, p.Gln94= (NM_001127713.1, NM_181598.4).
Identifiers: ClinVar variation 3725408 (VCV003725408.2).
Genomic context (GRCh38, chr14:50,588,078, plus strand): 5'-AGCATTTAGAAAAGGAAAATCATTCCTGATGGACTTCATGTTGAGATACATGTACAACCA[G>A]GTATGCAGGAAGTACTTTAAAAAGTTTTCTTTCTTCTGTGCTTCTGTCACTTCATGTTTT-3'
Protein context (NP_056999.2, residues 84-104): MDFMLRYMYN[Gln94=]ESVDWVGDYN